The following is an entry in ClinVar:

ClinVar aggregate classification (germline): Uncertain significance (1 of 4 stars; one submission).

Conditions:
Landau-Kleffner syndrome (FESD). Also called: EPILEPSY, FOCAL, WITH SPEECH DISORDER AND WITH OR WITHOUT MENTAL RETARDATION; APHASIA, ACQUIRED, WITH EPILEPSY. Identifiers: Orphanet 1945, Orphanet 725, Orphanet 98818, MedGen C0282512, MONDO:0009509, OMIM 245570.

Submission:

Labcorp Genetics (formerly Invitae), Labcorp
Classification: Uncertain significance for Landau-Kleffner syndrome. Last evaluated: 2024-03-05. Review status: criteria provided, single submitter. Criteria: Invitae Variant Classification Sherloc (09022015). Collection method: clinical testing. Allele origin: germline.
Comment: This sequence change replaces glycine, which is neutral and non-polar, with arginine, which is basic and polar, at codon 101 of the GRIN2A protein (p.Gly101Arg). This variant is not present in population databases (gnomAD no frequency). This variant has not been reported in the literature in individuals affected with GRIN2A-related conditions. Advanced modeling of protein sequence and biophysical properties (such as structural, functional, and spatial information, amino acid conservation, physicochemical variation, residue mobility, and thermodynamic stability) has been performed at Invitae for this missense variant, however the output from this modeling did not meet the statistical confidence thresholds required to predict the impact of this variant on GRIN2A protein function. In summary, the available evidence is currently insufficient to determine the role of this variant in disease. Therefore, it has been classified as a Variant of Uncertain Significance.

NM_001134407.3(GRIN2A):c.301G>C (p.Gly101Arg)

Gene: GRIN2A (glutamate ionotropic receptor NMDA type subunit 2A; minus strand). Cytogenetic location: 16p13.2.
Variant type: single nucleotide variant.
Coding change: c.301G>C on transcript NM_001134407.3 (MANE Select); coding-DNA position 301, G replaced by C.
Protein change: p.Gly101Arg; replaces glycine 101 with arginine.
Molecular consequence: missense variant.
Genome position (GRCh38, 1-based): chr16:10,180,111, C>G on the plus strand (G>C on the coding strand, the complement: GRIN2A is on the minus strand). VCF-style: chr16-10180111-C-G. GRCh37 (hg19) VCF-style: chr16-10273968-C-G.
Other names: c.301G>C, p.Gly101Arg (NM_000833.5, NM_001134408.2); short protein forms G101R.
Identifiers: ClinVar variation 3672509 (VCV003672509.2).